The following is an entry in ClinVar:

ClinVar aggregate classification (germline): Uncertain significance (1 of 4 stars; one submission).

gnomAD v4.1: 11 of 1,614,058 alleles (0.00068%); highest among the groups gnomAD compares: African/African-American, 0.012%; no homozygotes.

Submission:

Labcorp Genetics (formerly Invitae), Labcorp
Classification: Uncertain significance. Last evaluated: 2024-09-03. Review status: criteria provided, single submitter. Criteria: Invitae Variant Classification Sherloc (09022015). Collection method: clinical testing. Allele origin: germline.
Comment: This sequence change replaces threonine, which is neutral and polar, with alanine, which is neutral and non-polar, at codon 126 of the IL18BP protein (p.Thr126Ala). This variant is present in population databases (rs377538130, gnomAD 0.004%). This variant has not been reported in the literature in individuals affected with IL18BP-related conditions. An algorithm developed to predict the effect of missense changes on protein structure and function outputs the following: PolyPhen-2: "Benign". The alanine amino acid residue is found in multiple mammalian species, which suggests that this missense change does not adversely affect protein function. In summary, the available evidence is currently insufficient to determine the role of this variant in disease. Therefore, it has been classified as a Variant of Uncertain Significance.

NM_001039660.2(IL18BP):c.376A>G (p.Thr126Ala)

Gene: IL18BP (interleukin 18 binding protein; plus strand). Cytogenetic location: 11q13.4.
Variant type: single nucleotide variant.
Coding change: c.376A>G on transcript NM_001039660.2 (MANE Select); coding-DNA position 376, A replaced by G.
Protein change: p.Thr126Ala; replaces threonine 126 with alanine.
Molecular consequence: missense variant. On other transcripts: intron variant (1).
Genome position (GRCh38, 1-based): chr11:72,001,421, A>G. VCF-style: chr11-72001421-A-G. GRCh37 (hg19) VCF-style: chr11-71712467-A-G.
Other names: c.376A>G, p.Thr126Ala (NM_001039659.2, NM_001145057.1, NM_005699.3 and 2 more transcripts); c.236-363A>G (NM_001145055.1); short protein forms T126A.
Identifiers: ClinVar variation 3701317 (VCV003701317.2).